The following is an entry in ClinVar:

ClinVar aggregate classification (germline): Uncertain significance. Review status: criteria provided, multiple submitters, no conflicts (2 of 4 stars). 2 submissions from 2 submitters: Uncertain significance (2). Last evaluated 2023-09-11.

Allele frequency attached by ClinVar (database versions not stated): gnomAD 0.00001; TOPMed 0.00001.
gnomAD v4.1: 42 of 1,614,012 alleles (0.0026%); highest among the groups gnomAD compares: Non-Finnish European, 0.0036%; no homozygotes.

Submissions (2):

Labcorp Genetics (formerly Invitae), Labcorp
Classification: Uncertain significance. Last evaluated: 2023-09-11. Review status: criteria provided, single submitter. Criteria: Invitae Variant Classification Sherloc (09022015). Collection method: clinical testing. Allele origin: germline.
Comment: In summary, the available evidence is currently insufficient to determine the role of this variant in disease. Therefore, it has been classified as a Variant of Uncertain Significance. Advanced modeling of protein sequence and biophysical properties (such as structural, functional, and spatial information, amino acid conservation, physicochemical variation, residue mobility, and thermodynamic stability) performed at Invitae indicates that this missense variant is not expected to disrupt ANK3 protein function. ClinVar contains an entry for this variant (Variation ID: 390177). This variant has not been reported in the literature in individuals affected with ANK3-related conditions. This variant is present in population databases (rs746178496, gnomAD 0.002%). This sequence change replaces methionine, which is neutral and non-polar, with arginine, which is basic and polar, at codon 2271 of the ANK3 protein (p.Met2271Arg).

GeneDx
Classification: Uncertain significance. Last evaluated: 2016-10-21. Review status: criteria provided, single submitter. Criteria: GeneDx Variant Classification (06012015). Collection method: clinical testing. Allele origin: germline. Affected: yes.
Comment: A variant of uncertain significance has been identified in the ANK3 gene. The M2271R variant has not been published as a pathogenic variant, nor has it been reported as a benign variant to our knowledge. It was not observed in approximately 6,500 individuals of European and African American ancestry in the NHLBI Exome Sequencing Project, indicating it is not a common benign variant in these populations. The M2271R variant is a non-conservative amino acid substitution, which is likely to impact secondary protein structure as these residues differ in polarity, charge, size and/or other properties. This substitution occurs at a position that is conserved across species, and in silico analysis predicts the M2271R variant is probably damaging to the protein structure/function. Based on the currently available information, it is unclear whether this variant is a pathogenic variant or a rare benign variant.

NM_020987.5(ANK3):c.6812T>G (p.Met2271Arg)

Genes: ANK3 (ankyrin 3; minus strand), LOC130003862 (ATAC-STARR-seq lymphoblastoid active region 3393; plus strand). Cytogenetic location: 10q21.2.
Variant type: single nucleotide variant.
Coding change: c.6812T>G on transcript NM_020987.5 (MANE Select); coding-DNA position 6812, T replaced by G.
Protein change: p.Met2271Arg; replaces methionine 2271 with arginine.
Molecular consequence: missense variant. On other transcripts: intron variant (4).
Genome position (GRCh38, 1-based): chr10:60,074,069, A>C on the plus strand (T>G on the coding strand, the complement: ANK3 is on the minus strand). VCF-style: chr10-60074069-A-C. GRCh37 (hg19) VCF-style: chr10-61833827-A-C.
Other names: c.4388-6060T>G (NM_001204403.2); c.4409-6060T>G (NM_001204404.2); c.4406-6060T>G (NM_001320874.2); c.1808-6060T>G (NM_001149.4); short protein forms M2271R.
Identifiers: ClinVar variation 390177 (VCV000390177.5), dbSNP rs746178496, ClinGen allele CA5511808.